The following is an entry in ClinVar:

ClinVar aggregate classification (germline): Uncertain significance (1 of 4 stars; one submission).

Allele frequency attached by ClinVar (database versions not stated): ExAC 0.00001.
gnomAD v4.1: 3 of 1,614,200 alleles (0.00019%); highest among the groups gnomAD compares: Non-Finnish European, 0.00025%; no homozygotes.

Submission:

Labcorp Genetics (formerly Invitae), Labcorp
Classification: Uncertain significance. Last evaluated: 2024-04-30. Review status: criteria provided, single submitter. Criteria: Invitae Variant Classification Sherloc (09022015). Collection method: clinical testing. Allele origin: germline.
Comment: This sequence change replaces glutamine, which is neutral and polar, with leucine, which is neutral and non-polar, at codon 67 of the GATAD2B protein (p.Gln67Leu). This variant is present in population databases (rs778879337, gnomAD 0.0009%). This variant has not been reported in the literature in individuals affected with GATAD2B-related conditions. ClinVar contains an entry for this variant (Variation ID: 1946800). An algorithm developed to predict the effect of missense changes on protein structure and function (PolyPhen-2) suggests that this variant is likely to be tolerated. In summary, the available evidence is currently insufficient to determine the role of this variant in disease. Therefore, it has been classified as a Variant of Uncertain Significance.

NM_020699.4(GATAD2B):c.200A>T (p.Gln67Leu)

Gene: GATAD2B (GATA zinc finger domain containing 2B; minus strand). Cytogenetic location: 1q21.3.
Variant type: single nucleotide variant.
Coding change: c.200A>T on transcript NM_020699.4 (MANE Select); coding-DNA position 200, A replaced by T.
Protein change: p.Gln67Leu; replaces glutamine 67 with leucine.
Molecular consequence: missense variant.
Genome position (GRCh38, 1-based): chr1:153,828,148, T>A on the plus strand (A>T on the coding strand, the complement: GATAD2B is on the minus strand). VCF-style: chr1-153828148-T-A. GRCh37 (hg19) VCF-style: chr1-153800624-T-A.
Other names: short protein forms Q67L.
Identifiers: ClinVar variation 1946800 (VCV001946800.5), dbSNP rs778879337, ClinGen allele CA1120914.